The following is an entry in ClinVar:

NM_178859.4(SLC51B):c.96T>C (p.Asp32=)

Genes: RASL12 (RAS like family 12; minus strand), SLC51B (SLC51 subunit beta; plus strand). Cytogenetic location: 15q22.31.
Variant type: single nucleotide variant.
Coding change: c.96T>C on transcript NM_178859.4 (MANE Select); coding-DNA position 96, T replaced by C.
Protein change: p.Asp32=; no amino-acid change (aspartic acid 32 retained).
Molecular consequence: synonymous variant.
Genome position (GRCh38, 1-based): chr15:65,050,100, T>C. VCF-style: chr15-65050100-T-C. GRCh37 (hg19) VCF-style: chr15-65342438-T-C.
Other names: c.96T>C (NM_178859.3).
Identifiers: ClinVar variation 2085570 (VCV002085570.5), dbSNP rs768257916, ClinGen allele CA7613460.
Genomic context (GRCh38, chr15:65,050,100, plus strand): 5'-CGGTACTGTGGTACCCCAGGAGCTGCTGGAAGAGATGCTTTGGTTTTTTCGTGTGGAAGA[T>C]GGTAAGTGGTGAGAGATTGACGGCAGGGGTGGGGGTGTGCCCCTCAACACAGAGCAGAGT-3'
Protein context (NP_849190.2, residues 22-42): EEMLWFFRVE[Asp32=]ASPWNHSILA

ClinVar aggregate classification (germline): Conflicting classifications of pathogenicity. Review status: criteria provided, conflicting classifications (1 of 4 stars). 2 submissions from 2 submitters: Uncertain significance (1); Likely benign (1). Last evaluated 2026-01-06.

Conditions:
SLC51B-related disorder. Also called: SLC51B-related condition.

Allele frequency attached by ClinVar (database versions not stated): gnomAD exomes 0.00001; TOPMed 0.00002; gnomAD 0.00003; ExAC 0.00010.
gnomAD v4.1: 21 of 1,550,944 alleles (0.0014%); highest among the groups gnomAD compares: Admixed American, 0.02%; no homozygotes.

Submissions (2):

Labcorp Genetics (formerly Invitae), Labcorp
Classification: Uncertain significance. Last evaluated: 2026-01-06. Review status: criteria provided, single submitter. Criteria: Invitae Variant Classification Sherloc (09022015). Collection method: clinical testing. Allele origin: germline.
Comment: This sequence change affects codon 32 of the SLC51B mRNA. It is a 'silent' change, meaning that it does not change the encoded amino acid sequence of the SLC51B protein. It affects a nucleotide within the consensus splice site. This variant is present in population databases (rs768257916, gnomAD 0.03%). This variant has not been reported in the literature in individuals affected with SLC51B-related conditions. ClinVar contains an entry for this variant (Variation ID: 2085570). Algorithms developed to predict the effect of sequence changes on RNA splicing suggest that this variant is not likely to affect RNA splicing. In summary, the available evidence is currently insufficient to determine the role of this variant in disease. Therefore, it has been classified as a Variant of Uncertain Significance.

PreventionGenetics, part of Exact Sciences
Classification: Likely benign for SLC51B-related condition. Last evaluated: 2025-07-28. Review status: criteria provided, single submitter. Criteria: ACMG Guidelines, 2015. Collection method: clinical testing. Allele origin: germline.
Comment: This variant is classified as likely benign based on ACMG/AMP sequence variant interpretation guidelines (Richards et al. 2015 PMID: 25741868, with internal and published modifications).